The following is an entry in ClinVar:

NM_024426.6(WT1):c.1281G>T (p.Gln427His)

Gene: WT1 (WT1 transcription factor; minus strand). Cytogenetic location: 11p13.
Variant type: single nucleotide variant.
Coding change: c.1281G>T on transcript NM_024426.6 (MANE Select); coding-DNA position 1281, G replaced by T.
Protein change: p.Gln427His; replaces glutamine 427 with histidine.
Molecular consequence: missense variant. On other transcripts: non-coding transcript variant (2), intron variant (1).
Genome position (GRCh38, 1-based): chr11:32,392,739, C>A on the plus strand (G>T on the coding strand, the complement: WT1 is on the minus strand). VCF-style: chr11-32392739-C-A. GRCh37 (hg19) VCF-style: chr11-32414285-C-A.
Other names: c.1230G>T, p.Gln410His (NM_000378.6, NM_001407045.1, NM_001407049.1); c.630G>T, p.Gln210His (NM_001198551.2); c.579G>T, p.Gln193His (NM_001198552.2); c.93G>T, p.Gln31His (NM_001367854.1); c.1275G>T, p.Gln425His (NM_001407044.1); c.1281G>T, p.Gln427His (NM_001407046.1, NM_024424.5); c.1158G>T, p.Gln386His (NM_001407047.1); c.1107G>T, p.Gln369His (NM_001407050.1); and 4 more; short protein forms Q173H, Q193H, Q210H, Q31H, Q337H, Q354H, Q369H, Q386H.
Identifiers: ClinVar variation 3755192 (VCV003755192.1).

ClinVar aggregate classification (germline): Uncertain significance (1 of 4 stars; one submission).

Conditions:
Wilms tumor 1 (WT1). Also called: Wilms tumor, somatic. Identifiers: Orphanet 654, MedGen CN033288, MONDO:0008679, OMIM 194070.
11p partial monosomy syndrome (WAGR). Also called: WAGR syndrome; WAGR Complex; CHROMOSOME 11p13 DELETION SYNDROME; WAGR Spectrum Disorder. Identifiers: Orphanet 893, MedGen C0206115, MONDO:0008681, OMIM 194072.
Frasier syndrome. Identifiers: Orphanet 347, MedGen C0950122, MeSH D052159, MONDO:0007635, OMIM 136680.
Drash syndrome (DDS). Also called: NEPHROPATHY, WILMS TUMOR, AND GENITAL ANOMALIES; WILMS TUMOR AND PSEUDO- OR TRUE HERMAPHRODITISM. Identifiers: Orphanet 220, MedGen C0950121, MONDO:0008682, OMIM 194080.

Submission:

Labcorp Genetics (formerly Invitae), Labcorp
Classification: Uncertain significance for Wilms tumor 1; Drash syndrome; 11p partial monosomy syndrome; Frasier syndrome. Last evaluated: 2024-03-09. Review status: criteria provided, single submitter. Criteria: Invitae Variant Classification Sherloc (09022015). Collection method: clinical testing. Allele origin: germline.
Comment: This sequence change replaces glutamine, which is neutral and polar, with histidine, which is basic and polar, at codon 422 of the WT1 protein (p.Gln422His). This variant is not present in population databases (gnomAD no frequency). This variant has not been reported in the literature in individuals affected with WT1-related conditions. An algorithm developed to predict the effect of missense changes on protein structure and function (PolyPhen-2) suggests that this variant is likely to be disruptive. In summary, the available evidence is currently insufficient to determine the role of this variant in disease. Therefore, it has been classified as a Variant of Uncertain Significance.